The following is an entry in ClinVar:

ClinVar aggregate classification (germline): Uncertain significance (1 of 4 stars; one submission).

Submission:

GeneDx
Classification: Uncertain significance. Last evaluated: 2019-01-30. Review status: criteria provided, single submitter. Criteria: GeneDx Variant Classification Process June 2021. Collection method: clinical testing. Allele origin: germline. Affected: yes.
Comment: Not observed in large population cohorts (Lek et al., 2016; McVean et al., 2012; Exome Variant Server); In silico analysis, which includes protein predictors and evolutionary conservation, supports that this variant does not alter protein structure/function; Has not been previously published as pathogenic or benign to our knowledge

NM_001303256.3(MORC2):c.85T>G (p.Leu29Val)

Gene: MORC2 (MORC family CW-type zinc finger 2; minus strand). Cytogenetic location: 22q12.2.
Variant type: single nucleotide variant.
Coding change: c.85T>G on transcript NM_001303256.3 (MANE Select); coding-DNA position 85, T replaced by G.
Protein change: p.Leu29Val; replaces leucine 29 with valine.
Molecular consequence: missense variant. On other transcripts: 5 prime UTR variant (1).
Genome position (GRCh38, 1-based): chr22:30,958,678, A>C on the plus strand (T>G on the coding strand, the complement: MORC2 is on the minus strand). VCF-style: chr22-30958678-A-C. GRCh37 (hg19) VCF-style: chr22-31354664-A-C.
Other names: c.85T>G, p.Leu29Val (NM_001303257.2); c.-102T>G (NM_014941.3); short protein forms L29V.
Identifiers: ClinVar variation 1320733 (VCV001320733.2), dbSNP rs2147308714, ClinGen allele CA411534691.